The following is an entry in ClinVar:

ClinVar aggregate classification (germline): Uncertain significance (1 of 4 stars; one submission).

Conditions:
Arrhythmogenic cardiomyopathy with wooly hair and keratoderma. Also called: Carvajal syndrome; PALMOPLANTAR KERATODERMA WITH LEFT VENTRICULAR CARDIOMYOPATHY AND WOOLLY HAIR; Dilated cardiomyopathy with woolly hair and keratoderma; Arrhythmogenic cardiomyopathy with woolly hair and keratoderma. Identifiers: Orphanet 65282, MedGen C1854063, MONDO:0011581, OMIM 605676.

Submission:

All of Us Research Program, National Institutes of Health
Classification: Uncertain significance for Arrhythmogenic cardiomyopathy with wooly hair and keratoderma. Last evaluated: 2024-05-30. Review status: criteria provided, single submitter. Criteria: ACMG Guidelines, 2015. Collection method: clinical testing. Allele origin: germline. Inheritance: Autosomal dominant inheritance. Observed: 1 variant allele, 1 heterozygote.
Comment: This missense variant replaces glutamic acid with lysine at codon 2715 of the DSP protein. Computational prediction suggests that this variant may not impact protein structure and function (internally defined REVEL score threshold <= 0.5, PMID: 27666373). To our knowledge, functional studies have not been reported for this variant. This variant has not been reported in individuals affected with DSP-related disorders in the literature. This variant has not been identified in the general population by the Genome Aggregation Database (gnomAD). The available evidence is insufficient to determine the role of this variant in disease conclusively. Therefore, this variant is classified as a Variant of Uncertain Significance.

This study involves interpretation of variants in research participants for the purpose of population health screening. Participant phenotype was not available at the time of variant classification. Additional details can be found in publication PMID: 35346344, PMCID: PMC8962531

NM_004415.4(DSP):c.8143G>A (p.Glu2715Lys)

Gene: DSP (desmoplakin; plus strand). Cytogenetic location: 6p24.3.
Variant type: single nucleotide variant.
Coding change: c.8143G>A on transcript NM_004415.4 (MANE Select); coding-DNA position 8143, G replaced by A.
Protein change: p.Glu2715Lys; replaces glutamic acid 2715 with lysine.
Molecular consequence: missense variant.
Genome position (GRCh38, 1-based): chr6:7,585,405, G>A. VCF-style: chr6-7585405-G-A. GRCh37 (hg19) VCF-style: chr6-7585638-G-A.
Other names: c.6346G>A, p.Glu2116Lys (NM_001008844.3); c.6814G>A, p.Glu2272Lys (NM_001319034.2); short protein forms E2116K, E2272K, E2715K.
Identifiers: ClinVar variation 3386730 (VCV003386730.1).